The following is an entry in ClinVar:

NM_001130144.3(LTBP3):c.3569A>G (p.Gln1190Arg)

Gene: LTBP3 (latent transforming growth factor beta binding protein 3; minus strand). Cytogenetic location: 11q13.1.
Variant type: single nucleotide variant.
Coding change: c.3569A>G on transcript NM_001130144.3 (MANE Select); coding-DNA position 3569, A replaced by G.
Protein change: p.Gln1190Arg; replaces glutamine 1190 with arginine.
Molecular consequence: missense variant.
Genome position (GRCh38, 1-based): chr11:65,539,607, T>C on the plus strand (A>G on the coding strand, the complement: LTBP3 is on the minus strand). VCF-style: chr11-65539607-T-C. GRCh37 (hg19) VCF-style: chr11-65307078-T-C.
Other names: c.3569A>G (NM_001130144.2); c.3077A>G, p.Gln1026Arg (NM_001164266.1); c.3428A>G, p.Gln1143Arg (NM_021070.4); short protein forms Q1190R, Q1026R, Q1143R.
Identifiers: ClinVar variation 3651731 (VCV003651731.3).
Genomic context (GRCh38, chr11:65,539,607, plus strand): 5'-CCTCTTGGGGGCTTCCCCAACAGCAGGGGGCTTGTGTCCCAGAAGGAATTGCTCTCGCTC[T>C]GCGATGTCGGGCAATGGGACCCTGGGAGGAGCAGAACTGGTCAGCGACGTCCGGGTCCCC-3'
Protein context (NP_001123616.1, residues 1180-1200): RGAGSHCPTS[Gln1190Arg]SESNSFWDTS

ClinVar aggregate classification (germline): Uncertain significance. Review status: criteria provided, multiple submitters, no conflicts (2 of 4 stars). 2 submissions from 2 submitters: Uncertain significance (2). Last evaluated 2026-04-27.

Conditions:
Inborn genetic diseases. Identifiers: MedGen C0950123, MeSH D030342.
Brachyolmia-amelogenesis imperfecta syndrome. Also called: PLATYSPONDYLY WITH AMELOGENESIS IMPERFECTA; Tooth agenesis, selective, 6; Dental anomalies and short stature. Identifiers: Orphanet 2899, MedGen C1832594, MONDO:0011018, OMIM 601216. Disease mechanism: loss of function.

gnomAD v4.1: 3 of 1,611,976 alleles (0.00019%); highest among the groups gnomAD compares: Non-Finnish European, 0.00025%; no homozygotes.

Submissions (2):

Ambry Genetics
Classification: Uncertain significance for Inborn genetic diseases. Last evaluated: 2026-04-27. Review status: criteria provided, single submitter. Criteria: Ambry Variant Classification Scheme 2023. Collection method: clinical testing. Allele origin: germline.
Comment: The p.Q1190R variant (also known as c.3569A>G), located in coding exon 26 of the LTBP3 gene, results from an A to G substitution at nucleotide position 3569. The glutamine at codon 1190 is replaced by arginine, an amino acid with highly similar properties. This amino acid position is conserved. In addition, the in silico prediction for this alteration is inconclusive. Based on the available evidence, the clinical significance of this variant remains unclear.

Labcorp Genetics (formerly Invitae), Labcorp
Classification: Uncertain significance for Brachyolmia-amelogenesis imperfecta syndrome. Last evaluated: 2024-05-28. Review status: criteria provided, single submitter. Criteria: Invitae Variant Classification Sherloc (09022015). Collection method: clinical testing. Allele origin: germline.
Comment: This sequence change replaces glutamine, which is neutral and polar, with arginine, which is basic and polar, at codon 1190 of the LTBP3 protein (p.Gln1190Arg). This variant is present in population databases (no rsID available, gnomAD 0.007%). This variant has not been reported in the literature in individuals affected with LTBP3-related conditions. An algorithm developed to predict the effect of missense changes on protein structure and function (PolyPhen-2) suggests that this variant is likely to be tolerated. In summary, the available evidence is currently insufficient to determine the role of this variant in disease. Therefore, it has been classified as a Variant of Uncertain Significance.